The following is an entry in ClinVar:

NM_001256789.3(CACNA1F):c.4061del (p.Asn1354fs)

Gene: CACNA1F (calcium voltage-gated channel subunit alpha1 F; minus strand). Cytogenetic location: Xp11.23.
Variant type: Deletion.
Coding change: c.4061del on transcript NM_001256789.3 (MANE Select); coding-DNA position 4061, one base deleted (A; older notation c.4061delA).
Protein change: p.Asn1354fs; shifts the reading frame from asparagine 1354.
Molecular consequence: frameshift variant.
Genome position (GRCh38, 1-based): chrX:49,211,937, T deleted on the plus strand (A on the coding strand, the reverse complement: CACNA1F is on the minus strand); the first of 2 consecutive T bases (chrX:49,211,937-49,211,938); deleting either gives the same sequence. VCF-style (leftmost placement, unchanged base first): chrX-49211936-GT-G. GRCh37 (hg19) VCF-style: chrX-49068396-GT-G.
Other names: c.3899del, p.Asn1300fs (NM_001256790.3); c.4094del, p.Asn1365fs (NM_005183.4); short protein forms N1300fs, N1354fs, N1365fs.
Identifiers: ClinVar variation 4277324 (VCV004277324.1).

ClinVar aggregate classification (germline): Pathogenic (1 of 4 stars; one submission).

Conditions:
Retinal disorder. Also called: Retinopathy; Retinopathies; Retinal Diseases; Retinal disorders. Identifiers: MedGen C0035309, MONDO:0005283, HP:0000488.

Submission:

Genetics Laboratory, Great Ormond Street Hospital NHS Foundation Trust, North Thames Genomic Laboratory Hub
Classification: Pathogenic for Retinal disorders. Last evaluated: 2025-08-06. Review status: criteria provided, single submitter. Criteria: ACGS Best Practice Guidelines for Variant Classification in Rare Disease 2024 v1.2. Collection method: clinical testing. Allele origin: germline. Affected: yes.
Comment: PS4_supporting, PM2_moderate, PVS1_very-strong